The following is an entry in ClinVar:

NM_177438.3(DICER1):c.1689A>G (p.Leu563=)

Gene: DICER1 (dicer 1, ribonuclease III; minus strand). Cytogenetic location: 14q32.13.
Variant type: single nucleotide variant.
Coding change: c.1689A>G on transcript NM_177438.3 (MANE Select); coding-DNA position 1689, A replaced by G.
Protein change: p.Leu563=; no amino-acid change (leucine 563 retained).
Molecular consequence: synonymous variant.
Genome position (GRCh38, 1-based): chr14:95,116,516, T>C on the plus strand (A>G on the coding strand, the complement: DICER1 is on the minus strand). VCF-style: chr14-95116516-T-C. GRCh37 (hg19) VCF-style: chr14-95582853-T-C.
Other names: c.1689A>G, p.Leu563= (NM_001195573.1, NM_001271282.3, NM_001291628.2 and 1 more transcripts).
Identifiers: ClinVar variation 477052 (VCV000477052.18), dbSNP rs759530753, ClinGen allele CA7331441.

ClinVar aggregate classification (germline): Benign/Likely benign. Review status: criteria provided, multiple submitters, no conflicts (2 of 4 stars). 3 submissions from 3 submitters: Benign (1); Likely benign (2). Last evaluated 2026-04-15.

Conditions:
DICER1-related tumor predisposition. Also called: DICER1-related pleuropulmonary blastoma cancer predisposition syndrome; DICER1 syndrome. Identifiers: Orphanet 284343, MedGen C3839822, MONDO:0100216.
Hereditary cancer-predisposing syndrome. Also called: Hereditary neoplastic syndrome; Neoplastic Syndromes, Hereditary; Hereditary Cancer Syndrome; Tumor predisposition. Identifiers: Orphanet 140162, MedGen C0027672, MeSH D009386, MONDO:0015356.

Allele frequency attached by ClinVar (database versions not stated): gnomAD 0.00001; gnomAD exomes 0.00002; ExAC 0.00001.
gnomAD v4.1: 14 of 1,613,812 alleles (0.00087%); highest among the groups gnomAD compares: East Asian, 0.027%; no homozygotes.

Submissions (3):

Myriad Genetics, Inc.
Classification: Benign for DICER1-related tumor predisposition. Last evaluated: 2026-04-15. Review status: criteria provided, single submitter. Criteria: Myriad Autosomal Dominant, Autosomal Recessive and X-Linked Classification Criteria (2023). Collection method: clinical testing. Allele origin: unknown.
Comment: This variant is considered benign. This variant is a silent/synonymous amino acid change and it is not expected to impact splicing.

Labcorp Genetics (formerly Invitae), Labcorp
Classification: Likely benign for DICER1-related tumor predisposition. Last evaluated: 2025-12-22. Review status: criteria provided, single submitter. Criteria: Invitae Variant Classification Sherloc (09022015). Collection method: clinical testing. Allele origin: germline.

Ambry Genetics
Classification: Likely benign for Hereditary cancer-predisposing syndrome. Last evaluated: 2018-05-07. Review status: criteria provided, single submitter. Criteria: Ambry Variant Classification Scheme 2023. Collection method: clinical testing. Allele origin: germline.